The following is an entry in ClinVar:

NM_015450.3(POT1):c.285_286insCT (p.Ile96fs)

Gene: POT1 (protection of telomeres 1; minus strand). Cytogenetic location: 7q31.33.
Variant type: Insertion.
Coding change: c.285_286insCT on transcript NM_015450.3 (MANE Select); coding-DNA positions 285 to 286, CT inserted.
Protein change: p.Ile96fs; shifts the reading frame from isoleucine 96.
Molecular consequence: frameshift variant. On other transcripts: 5 prime UTR variant (1), non-coding transcript variant (3).
Genome position: GRCh38 VCF-style: chr7-124863610-T-TAG. GRCh37 (hg19) VCF-style: chr7-124503664-T-TAG.
Other names: c.-109_-108insCT (NM_001042594.2); short protein forms I96fs.
Identifiers: ClinVar variation 1003943 (VCV001003943.7), dbSNP rs1795652293, ClinGen allele CA1740730234.

ClinVar aggregate classification (germline): Pathogenic (1 of 4 stars; one submission).

Conditions:
Tumor predisposition syndrome 3 (TPDS3). Also called: Glioma susceptibility 9; LONG TELOMERE SYNDROME, POT1-RELATED; POT1 Tumor Predisposition; Melanoma, cutaneous malignant, susceptibility to, 10. Identifiers: Orphanet 618, MedGen C4014476, MONDO:0014368, OMIM 615848.

Submission:

Labcorp Genetics (formerly Invitae), Labcorp
Classification: Pathogenic for Tumor predisposition syndrome 3. Last evaluated: 2024-05-21. Review status: criteria provided, single submitter. Criteria: Invitae Variant Classification Sherloc (09022015). Collection method: clinical testing. Allele origin: germline.
Comment: This sequence change creates a premature translational stop signal (p.Ile96Leufs*10) in the POT1 gene. It is expected to result in an absent or disrupted protein product. Loss-of-function variants in POT1 are known to be pathogenic (PMID: 32155570). This variant is not present in population databases (gnomAD no frequency). This variant has not been reported in the literature in individuals affected with POT1-related conditions. ClinVar contains an entry for this variant (Variation ID: 1003943). For these reasons, this variant has been classified as Pathogenic.

Literature cited by the submitters: PubMed 32155570.